The following is an entry in ClinVar:

ClinVar aggregate classification (germline): Conflicting classifications of pathogenicity. Review status: criteria provided, conflicting classifications (1 of 4 stars). 3 submissions from 3 submitters: Uncertain significance (2); Likely benign (1). Last evaluated 2024-03-03.

Conditions:
Jeune thoracic dystrophy. Also called: Jeune syndrome; Infantile thoracic dystrophy; Thoracic pelvic phalangeal dystrophy; Jeune's syndrome; Chondroectodermal dysplasia-like syndrome; Short-rib thoracic dysplasia. Identifiers: Orphanet 474, MedGen C0265275, MONDO:0018770.
Inborn genetic diseases. Identifiers: MedGen C0950123, MeSH D030342.

Allele frequency attached by ClinVar (database versions not stated): gnomAD exomes 0.00001 and 0.00009; TOPMed 0.00024; gnomAD 0.00032 and 0.00034.
gnomAD v4.1: 68 of 1,604,274 alleles (0.0042%); highest among the groups gnomAD compares: Admixed American, 0.11%; no homozygotes.

Submissions (3):

Labcorp Genetics (formerly Invitae), Labcorp
Classification: Likely benign for Jeune thoracic dystrophy. Last evaluated: 2024-03-03. Review status: criteria provided, single submitter. Criteria: Invitae Variant Classification Sherloc (09022015). Collection method: clinical testing. Allele origin: germline.

Ambry Genetics
Classification: Uncertain significance for Inborn genetic diseases. Last evaluated: 2022-08-26. Review status: criteria provided, single submitter. Criteria: Ambry Variant Classification Scheme 2023. Collection method: clinical testing. Allele origin: germline.

GeneDx
Classification: Uncertain significance. Last evaluated: 2017-01-05. Review status: criteria provided, single submitter. Criteria: GeneDx Variant Classification (06012015). Collection method: clinical testing. Allele origin: germline. Affected: yes.
Comment: The T3635I variant in the DYNC2H1 gene has not been reported previously as a pathogenic variant, nor as a benign variant, to our knowledge. The T3635I variant was not observed in approximately 6000 individuals of European and African American ancestry in the NHLBI Exome Sequencing Project, indicating it is not a common benign variant in these populations. The T3635I variant is a non-conservative amino acid substitution, which is likely to impact secondary protein structure as these residues differ in polarity, charge, size and/or other properties. This substitution occurs at a position that is conserved in mammals. In silico analysis is inconsistent in its predictions as to whether or not the variant is damaging to the protein structure/function. We interpret T3635I as a variant of uncertain significance.

NM_001377.3(DYNC2H1):c.10883C>T (p.Thr3628Ile)

Gene: DYNC2H1 (dynein cytoplasmic 2 heavy chain 1; plus strand). Cytogenetic location: 11q22.3.
Variant type: single nucleotide variant.
Coding change: c.10883C>T on transcript NM_001377.3 (MANE Select); coding-DNA position 10883, C replaced by T.
Protein change: p.Thr3628Ile; replaces threonine 3628 with isoleucine.
Molecular consequence: missense variant.
Genome position (GRCh38, 1-based): chr11:103,283,078, C>T. VCF-style: chr11-103283078-C-T. GRCh37 (hg19) VCF-style: chr11-103153807-C-T.
Other names: c.10904C>T, p.Thr3635Ile (NM_001080463.2); short protein forms T3635I, T3628I.
Identifiers: ClinVar variation 391806 (VCV000391806.7), dbSNP rs1057524234, ClinGen allele CA16606133.